The following is an entry in ClinVar:

NM_000548.5(TSC2):c.4403C>T (p.Pro1468Leu)

Gene: TSC2 (TSC complex subunit 2; plus strand). Cytogenetic location: 16p13.3.
Variant type: single nucleotide variant.
Coding change: c.4403C>T on transcript NM_000548.5 (MANE Select); coding-DNA position 4403, C replaced by T.
Protein change: p.Pro1468Leu; replaces proline 1468 with leucine.
Molecular consequence: missense variant.
Genome position (GRCh38, 1-based): chr16:2,084,625, C>T. VCF-style: chr16-2084625-C-T. GRCh37 (hg19) VCF-style: chr16-2134626-C-T.
Other names: c.4202C>T, p.Pro1401Leu (NM_001077183.3); c.4334C>T, p.Pro1445Leu (NM_001114382.3); c.4094C>T, p.Pro1365Leu (NM_001318827.2); c.4058C>T, p.Pro1353Leu (NM_001318829.2); c.3671C>T, p.Pro1224Leu (NM_001318831.2); c.4235C>T, p.Pro1412Leu (NM_001318832.2); c.4205C>T, p.Pro1402Leu (NM_001363528.2); c.4271C>T, p.Pro1424Leu (NM_001370404.1); and 1 more; short protein forms P1468L, P1224L, P1401L, P1353L, P1365L, P1424L, P1402L, P1412L.
Identifiers: ClinVar variation 535938 (VCV000535938.12), dbSNP rs762423563, ClinGen allele CA051050.
Genomic context (GRCh38, chr16:2,084,625, plus strand): 5'-GCTCCCCCCGCTCGCCCAGTGGCCTCCGGCCCCGAGGTTACACCATCTCCGACTCGGCCC[C>T]ATCACGCAGGGGCAAGAGAGTAGAGAGGGACGCCTTAAAGAGCAGAGCCACAGCCTCCAA-3'
Protein context (NP_000539.2, residues 1458-1478): PRGYTISDSA[Pro1468Leu]SRRGKRVERD

ClinVar aggregate classification (germline): Conflicting classifications of pathogenicity. Review status: criteria provided, conflicting classifications (1 of 4 stars). 3 submissions from 3 submitters: Uncertain significance (2); Benign (1). Last evaluated 2026-02-03.

Conditions:
Hereditary cancer-predisposing syndrome. Also called: Neoplastic Syndromes, Hereditary; Tumor predisposition; Hereditary Cancer Syndrome; Hereditary neoplastic syndrome. Identifiers: Orphanet 140162, MedGen C0027672, MeSH D009386, MONDO:0015356.
Tuberous sclerosis 2 (TSC2). Identifiers: Orphanet 805, MedGen C1860707, MONDO:0013199, OMIM 613254.

Allele frequency attached by ClinVar (database versions not stated): gnomAD exomes below 0.00001 and 0.00001; TOPMed 0.00001; ExAC 0.00002; gnomAD 0.00002.

Submissions (3):

Clinical Genomics Laboratory, Washington University in St. Louis
Classification: Uncertain significance for Tuberous sclerosis 2. Last evaluated: 2026-02-03. Review status: criteria provided, single submitter. Criteria: ACMG Guidelines, 2015. Collection method: clinical testing. Allele origin: germline.
Comment: A TSC2 c.4403C>T (p.Pro1468Leu) variant was identified at a near heterozygous allelic fraction of 49%, a frequency which may be consistent with germline origin. This variant, to our knowledge, has not been reported in the medical literature but has been reported in the ClinVar database a germline variant of uncertain significance by one submitter and a germline benign variant by one submitter (ClinVar Variation ID: 535938). It is only observed on 5/1,600,904 alleles in the general population (gnomAD v4.1.0), indicating it is not a common variant. Computational predictors are uncertain as to the impact of this variant on TSC2 function. Due to limited information, and based on ACMG/AMP guidelines for variant interpretation (Richards S et al., PMID: 25741868), the clinical significance of this variant is uncertain at this time.

Ambry Genetics
Classification: Uncertain significance for Hereditary cancer-predisposing syndrome. Last evaluated: 2023-10-10. Review status: criteria provided, single submitter. Criteria: Ambry Variant Classification Scheme 2023. Collection method: clinical testing. Allele origin: germline.
Comment: The p.P1468L variant (also known as c.4403C>T), located in coding exon 33 of the TSC2 gene, results from a C to T substitution at nucleotide position 4403. The proline at codon 1468 is replaced by leucine, an amino acid with similar properties. This nucleotide position is well conserved in available vertebrate species. This amino acid position is well conserved in available vertebrate species. In addition, this alteration is predicted to be deleterious by in silico analysis. Since supporting evidence is limited at this time, the clinical significance of this alteration remains unclear.

Labcorp Genetics (formerly Invitae), Labcorp
Classification: Benign for Tuberous sclerosis 2. Last evaluated: 2022-11-20. Review status: criteria provided, single submitter. Criteria: Invitae Variant Classification Sherloc (09022015). Collection method: clinical testing. Allele origin: germline.